The following is an entry in ClinVar:

NM_003924.4(PHOX2B):c.683G>T (p.Gly228Val)

Gene: PHOX2B (paired like homeobox 2B; minus strand). Cytogenetic location: 4p13.
Variant type: single nucleotide variant.
Coding change: c.683G>T on transcript NM_003924.4 (MANE Select); coding-DNA position 683, G replaced by T.
Protein change: p.Gly228Val; replaces glycine 228 with valine.
Molecular consequence: missense variant.
Genome position (GRCh38, 1-based): chr4:41,746,069, C>A on the plus strand (G>T on the coding strand, the complement: PHOX2B is on the minus strand). VCF-style: chr4-41746069-C-A. GRCh37 (hg19) VCF-style: chr4-41748086-C-A.
Other names: short protein forms G228V.
Identifiers: ClinVar variation 486029 (VCV000486029.26), dbSNP rs1335294030, ClinGen allele CA356737403.
Genomic context (GRCh38, chr4:41,746,069, plus strand): 5'-GCGGCCGCCGCCGCTGCTGCTGCGCCGCCCTTGCCGGGTTCGCCTCCCGGGCCCCCGGGC[C>A]CCGCCGCCCCCGGAGCTCCAGCCGGGCTGGGCCCGCCGCCGCCGCCTCCATTCGCCCCGC-3'
Protein context (NP_003915.2, residues 218-238): PSPAGAPGAA[Gly228Val]PGGPGGEPGK

ClinVar aggregate classification (germline): Uncertain significance. Review status: criteria provided, multiple submitters, no conflicts (2 of 4 stars). 5 submissions from 5 submitters: Uncertain significance (5). Last evaluated 2025-10-09.

Conditions:
Central hypoventilation syndrome, congenital, 1, with or without Hirschsprung disease (CCHS1). Also called: Congenital Central Hypoventilation Syndrome (CCHS); AUTONOMIC CONTROL, CONGENITAL FAILURE OF; ONDINE CURSE, CONGENITAL; CENTRAL HYPOVENTILATION SYNDROME, CONGENITAL, 1; Central hypoventilation syndrome, congenital, 1, with or without Hirschsprung. Identifiers: Orphanet 661, MedGen C5562075, MONDO:0800026, OMIM 209880.
Neuroblastoma, susceptibility to, 2. Identifiers: Orphanet 635, MedGen C2751682, MONDO:0700041, OMIM 613013.
Hereditary cancer-predisposing syndrome. Also called: Tumor predisposition; Hereditary Cancer Syndrome; Hereditary neoplastic syndrome; Neoplastic Syndromes, Hereditary. Identifiers: Orphanet 140162, MedGen C0027672, MeSH D009386, MONDO:0015356.
Haddad syndrome (OHD). Also called: Ondine-Hirschsprung disease. Identifiers: Orphanet 99803, MedGen C1859049, MONDO:0020493.

Allele frequency attached by ClinVar (database versions not stated): gnomAD exomes 0.00001 and 0.00002; TOPMed 0.00001; gnomAD 0.00002.
gnomAD v4.1: 26 of 1,414,484 alleles (0.0018%); highest among the groups gnomAD compares: Middle Eastern, 0.078%; no homozygotes.

Submissions (5):

Ambry Genetics
Classification: Uncertain significance for Hereditary cancer-predisposing syndrome. Last evaluated: 2025-10-09. Review status: criteria provided, single submitter. Criteria: Ambry Variant Classification Scheme 2023. Collection method: clinical testing. Allele origin: germline.
Comment: The p.G228V variant (also known as c.683G>T), located in coding exon 3 of the PHOX2B gene, results from a G to T substitution at nucleotide position 683. The glycine at codon 228 is replaced by valine, an amino acid with dissimilar properties. This variant was reported in individuals with features consistent with congenital central hypoventilation syndrome (CCHS) (Zhou A et al. Genet Med, 2021 Sep;23:1656-1663). This amino acid position is well conserved in available vertebrate species. In addition, the in silico prediction for this alteration is inconclusive. Based on the available evidence, the clinical significance of this variant remains unclear.

Labcorp Genetics (formerly Invitae), Labcorp
Classification: Uncertain significance for Haddad syndrome. Last evaluated: 2024-08-05. Review status: criteria provided, single submitter. Criteria: Invitae Variant Classification Sherloc (09022015). Collection method: clinical testing. Allele origin: germline.
Comment: This sequence change replaces glycine, which is neutral and non-polar, with valine, which is neutral and non-polar, at codon 228 of the PHOX2B protein (p.Gly228Val). The frequency data for this variant in the population databases is considered unreliable, as metrics indicate poor data quality at this position in the gnomAD database. This missense change has been observed in individual(s) with clinical features of congenital central hypoventilation syndrome (PMID: 33958749). ClinVar contains an entry for this variant (Variation ID: 486029). Advanced modeling of protein sequence and biophysical properties (such as structural, functional, and spatial information, amino acid conservation, physicochemical variation, residue mobility, and thermodynamic stability) performed at Invitae indicates that this missense variant is not expected to disrupt PHOX2B protein function with a negative predictive value of 80%. In summary, the available evidence is currently insufficient to determine the role of this variant in disease. Therefore, it has been classified as a Variant of Uncertain Significance.

GeneDx
Classification: Uncertain significance. Last evaluated: 2024-04-08. Review status: criteria provided, single submitter. Criteria: GeneDx Variant Classification Process June 2021. Collection method: clinical testing. Allele origin: germline. Affected: yes.
Comment: Not observed at significant frequency in large population cohorts (gnomAD); In silico analysis indicates that this missense variant does not alter protein structure/function; Observed in individuals reported to have congenital central hypoventilation syndrome (PMID: 33958749); This variant is associated with the following publications: (PMID: 29641532, 33958749)

Fulgent Genetics
Classification: Uncertain significance for Central hypoventilation syndrome, congenital, 1, with or without Hirschsprung disease; Neuroblastoma, susceptibility to, 2. Last evaluated: 2024-03-13. Review status: criteria provided, single submitter. Criteria: ACMG Guidelines, 2015. Collection method: clinical testing. Allele origin: germline.

Baylor Genetics
Classification: Uncertain significance for Neuroblastoma, susceptibility to, 2. Last evaluated: 2024-03-11. Review status: criteria provided, single submitter. Criteria: ACMG Guidelines, 2015. Collection method: clinical testing. Allele origin: unknown.

Literature cited by the submitters: PubMed 33958749 (cited by Ambry Genetics and Labcorp Genetics (formerly Invitae), Labcorp).